The following is an entry in ClinVar:

ClinVar aggregate classification (germline): Uncertain significance (1 of 4 stars; one submission).

Conditions:
Duchenne muscular dystrophy (DMD). Also called: MUSCULAR DYSTROPHY, PSEUDOHYPERTROPHIC PROGRESSIVE, DUCHENNE TYPE; Duchenne Muscular Dystrophy (DMD). Identifiers: Orphanet 98896, MedGen C0013264, MONDO:0010679, OMIM 310200.

Submission:

Labcorp Genetics (formerly Invitae), Labcorp
Classification: Uncertain significance for Duchenne muscular dystrophy. Last evaluated: 2021-08-26. Review status: criteria provided, single submitter. Criteria: Invitae Variant Classification Sherloc (09022015). Collection method: clinical testing. Allele origin: germline.
Comment: This sequence change replaces threonine with serine at codon 687 of the DMD protein (p.Thr687Ser). The threonine residue is weakly conserved and there is a small physicochemical difference between threonine and serine. This variant is not present in population databases (ExAC no frequency). This variant has not been reported in the literature in individuals affected with DMD-related conditions. Algorithms developed to predict the effect of missense changes on protein structure and function (SIFT, PolyPhen-2, Align-GVGD) all suggest that this variant is likely to be tolerated. In summary, the available evidence is currently insufficient to determine the role of this variant in disease. Therefore, it has been classified as a Variant of Uncertain Significance.

NM_004006.3(DMD):c.2059A>T (p.Thr687Ser)

Gene: DMD (dystrophin; minus strand). Cytogenetic location: Xp21.1.
Variant type: single nucleotide variant.
Coding change: c.2059A>T on transcript NM_004006.3 (MANE Select); coding-DNA position 2059, A replaced by T.
Protein change: p.Thr687Ser; replaces threonine 687 with serine.
Molecular consequence: missense variant.
Genome position (GRCh38, 1-based): chrX:32,545,268, T>A on the plus strand (A>T on the coding strand, the complement: DMD is on the minus strand). VCF-style: chrX-32545268-T-A. GRCh37 (hg19) VCF-style: chrX-32563385-T-A.
Other names: c.2035A>T, p.Thr679Ser (NM_000109.4); c.2047A>T, p.Thr683Ser (NM_004009.3); c.1690A>T, p.Thr564Ser (NM_004010.3); short protein forms T683S, T687S, T564S, T679S.
Identifiers: ClinVar variation 1982569 (VCV001982569.1), dbSNP rs2526092958, ClinGen allele CA412668409.